The following is an entry in ClinVar:

ClinVar aggregate classification (germline): Likely benign. Review status: criteria provided, multiple submitters, no conflicts (2 of 4 stars). 2 submissions from 2 submitters: Likely benign (2). Last evaluated 2026-06-01.

Submissions (2):

CeGaT Center for Human Genetics Tuebingen
Classification: Likely benign. Last evaluated: 2026-06-01. Review status: criteria provided, single submitter. Criteria: CeGaT Center For Human Genetics Tuebingen Variant Classification Criteria Version 2. Collection method: clinical testing. Allele origin: germline. Affected: yes. Observed: 2 variant alleles.
Comment: TCHH: BP4

Blueprint Genetics
Classification: Likely benign. Last evaluated: 2024-10-28. Review status: criteria provided, single submitter. Criteria: ACMG Guidelines, 2015. Collection method: clinical testing. Allele origin: germline.

NM_007113.4(TCHH):c.5627G>A (p.Arg1876Gln)

Gene: TCHH (trichohyalin; minus strand). Cytogenetic location: 1q21.3.
Variant type: single nucleotide variant.
Coding change: c.5627G>A on transcript NM_007113.4 (MANE Select); coding-DNA position 5627, G replaced by A.
Protein change: p.Arg1876Gln; replaces arginine 1876 with glutamine.
Molecular consequence: missense variant.
Genome position (GRCh38, 1-based): chr1:152,107,590, C>T on the plus strand (G>A on the coding strand, the complement: TCHH is on the minus strand). VCF-style: chr1-152107590-C-T. GRCh37 (hg19) VCF-style: chr1-152080066-C-T.
Other names: short protein forms R1876Q.
Identifiers: ClinVar variation 4535468 (VCV004535468.7).